The following is an entry in ClinVar:

NM_000719.7(CACNA1C):c.2225-17A>G

Gene: CACNA1C (calcium voltage-gated channel subunit alpha1 C; plus strand). Cytogenetic location: 12p13.33.
Variant type: single nucleotide variant.
Coding change: c.2225-17A>G on transcript NM_000719.7 (MANE Select); 17 bases into the intron before coding-DNA position 2225, A replaced by G.
Molecular consequence: intron variant.
Genome position (GRCh38, 1-based): chr12:2,584,486, A>G. VCF-style: chr12-2584486-A-G. GRCh37 (hg19) VCF-style: chr12-2693652-A-G.
Other names: c.2225-17A>G (NM_001167624.3, NM_001167623.2, NM_001167625.2 and 18 more transcripts); c.2216-17A>G (NM_001129844.2).
Identifiers: ClinVar variation 4868068 (VCV004868068.1).

ClinVar aggregate classification (germline): Uncertain significance (1 of 4 stars; one submission).

Conditions:
Cardiovascular phenotype. Identifiers: MedGen CN230736.

Submission:

Ambry Genetics
Classification: Uncertain significance for Cardiovascular phenotype. Last evaluated: 2026-03-26. Review status: criteria provided, single submitter. Criteria: Ambry Variant Classification Scheme 2023. Collection method: clinical testing. Allele origin: germline.
Comment: The c.2225-17A>G intronic variant consists of an A to G substitution 17 nucleotides before exon 16 (coding exon 16) of the CACNA1C gene. This variant was not reported in population-based cohorts in the Genome Aggregation Database (gnomAD). This nucleotide position is well conserved in available vertebrate species. In silico splice site analysis predicts that this alteration will result in the creation or strengthening of a novel splice acceptor site. Based on insufficient or conflicting evidence, the clinical significance of this alteration remains unclear.